The following is an entry in ClinVar:

ClinVar aggregate classification (germline): Uncertain significance (1 of 4 stars; one submission).

Allele frequency attached by ClinVar (database versions not stated): TOPMed below 0.00001; gnomAD 0.00001; gnomAD exomes 0.00001; ExAC 0.00002.
gnomAD v4.1: 14 of 1,611,290 alleles (0.00087%); highest among the groups gnomAD compares: Admixed American, 0.0033%; no homozygotes.

Submission:

Labcorp Genetics (formerly Invitae), Labcorp
Classification: Uncertain significance. Last evaluated: 2024-05-23. Review status: criteria provided, single submitter. Criteria: Invitae Variant Classification Sherloc (09022015). Collection method: clinical testing. Allele origin: germline.
Comment: This sequence change replaces arginine, which is basic and polar, with cysteine, which is neutral and slightly polar, at codon 219 of the CTBP1 protein (p.Arg219Cys). This variant is present in population databases (rs772323252, gnomAD 0.01%). This variant has not been reported in the literature in individuals affected with CTBP1-related conditions. Advanced modeling of protein sequence and biophysical properties (such as structural, functional, and spatial information, amino acid conservation, physicochemical variation, residue mobility, and thermodynamic stability) has been performed at Invitae for this missense variant, however the output from this modeling did not meet the statistical confidence thresholds required to predict the impact of this variant on CTBP1 protein function. In summary, the available evidence is currently insufficient to determine the role of this variant in disease. Therefore, it has been classified as a Variant of Uncertain Significance.

NM_001012614.2(CTBP1):c.622C>T (p.Arg208Cys)

Genes: CTBP1 (C-terminal binding protein 1; minus strand), CTBP1-AS (CTBP1 antisense RNA; plus strand). Cytogenetic location: 4p16.3.
Variant type: single nucleotide variant.
Coding change: c.622C>T on transcript NM_001012614.2 (MANE Select); coding-DNA position 622, C replaced by T.
Protein change: p.Arg208Cys; replaces arginine 208 with cysteine.
Molecular consequence: missense variant. On other transcripts: non-coding transcript variant (1).
Genome position (GRCh38, 1-based): chr4:1,216,098, G>A on the plus strand (C>T on the coding strand, the complement: CTBP1 is on the minus strand). VCF-style: chr4-1216098-G-A. GRCh37 (hg19) VCF-style: chr4-1209886-G-A.
Other names: c.655C>T, p.Arg219Cys (NM_001328.3, NM_001377186.1); c.622C>T, p.Arg208Cys (NM_001377187.1, NM_001377188.1, NM_001377189.1 and 4 more transcripts); short protein forms R208C, R219C.
Identifiers: ClinVar variation 2805234 (VCV002805234.3), dbSNP rs772323252, ClinGen allele CA2804346.